The following is an entry in ClinVar:

NM_032242.4(PLXNA1):c.4012G>T (p.Asp1338Tyr)

Gene: PLXNA1 (plexin A1; plus strand). Cytogenetic location: 3q21.3.
Variant type: single nucleotide variant.
Coding change: c.4012G>T on transcript NM_032242.4 (MANE Select); coding-DNA position 4012, G replaced by T.
Protein change: p.Asp1338Tyr; replaces aspartic acid 1338 with tyrosine.
Molecular consequence: missense variant.
Genome position (GRCh38, 1-based): chr3:127,020,318, G>T. VCF-style: chr3-127020318-G-T. GRCh37 (hg19) VCF-style: chr3-126739161-G-T.
Other names: short protein forms D1338Y.
Identifiers: ClinVar variation 2702090 (VCV002702090.3), dbSNP rs2472549415, ClinGen allele CA354394865.
Genomic context (GRCh38, chr3:127,020,318, plus strand): 5'-GGCATCCCCTTCCTTGACTACCGGACATATGCCATGCGGGTGCTCTTTCCTGGGATCGAG[G>T]ACCACCCTGTGCTCAAGGAGATGGAGGTAGGACCACTGGCTCCGGGGGGTCACAGGAACT-3'
Protein context (NP_115618.3, residues 1328-1348): AMRVLFPGIE[Asp1338Tyr]HPVLKEMEVQ

ClinVar aggregate classification (germline): Uncertain significance (1 of 4 stars; one submission).

Submission:

Labcorp Genetics (formerly Invitae), Labcorp
Classification: Uncertain significance. Last evaluated: 2024-03-11. Review status: criteria provided, single submitter. Criteria: Invitae Variant Classification Sherloc (09022015). Collection method: clinical testing. Allele origin: germline.
Comment: This sequence change replaces aspartic acid, which is acidic and polar, with tyrosine, which is neutral and polar, at codon 1338 of the PLXNA1 protein (p.Asp1338Tyr). This variant is not present in population databases (gnomAD no frequency). This variant has not been reported in the literature in individuals affected with PLXNA1-related conditions. Advanced modeling of protein sequence and biophysical properties (such as structural, functional, and spatial information, amino acid conservation, physicochemical variation, residue mobility, and thermodynamic stability) performed at Invitae indicates that this missense variant is not expected to disrupt PLXNA1 protein function with a negative predictive value of 80%. In summary, the available evidence is currently insufficient to determine the role of this variant in disease. Therefore, it has been classified as a Variant of Uncertain Significance.